The following is an entry in ClinVar:

NM_007194.4(CHEK2):c.268C>A (p.Pro90Thr)

Gene: CHEK2 (checkpoint kinase 2; minus strand). Cytogenetic location: 22q12.1.
Variant type: single nucleotide variant.
Coding change: c.268C>A on transcript NM_007194.4 (MANE Select); coding-DNA position 268, C replaced by A.
Protein change: p.Pro90Thr; replaces proline 90 with threonine.
Molecular consequence: missense variant.
Genome position (GRCh38, 1-based): chr22:28,734,454, G>T on the plus strand (C>A on the coding strand, the complement: CHEK2 is on the minus strand). VCF-style: chr22-28734454-G-T. GRCh37 (hg19) VCF-style: chr22-29130442-G-T.
Other names: c.268C>A, p.Pro90Thr (NM_001005735.3, NM_001349956.3, NM_145862.3); c.-510C>A (NM_001257387.3); short protein forms P90T.
Identifiers: ClinVar variation 1001379 (VCV001001379.9), dbSNP rs777588170, ClinGen allele CA411090471.

ClinVar aggregate classification (germline): Uncertain significance (1 of 4 stars; one submission).

Conditions:
Familial cancer of breast. Also called: Hereditary breast cancer; hereditary breast carcinoma; BREAST CANCER, FAMILIAL. Identifiers: Orphanet 227535, MedGen C0346153, MONDO:0016419, OMIM 114480. Disease mechanism: loss of function.

Submission:

Labcorp Genetics (formerly Invitae), Labcorp
Classification: Uncertain significance for Familial cancer of breast. Last evaluated: 2020-12-01. Review status: criteria provided, single submitter. Criteria: Invitae Variant Classification Sherloc (09022015). Collection method: clinical testing. Allele origin: germline.
Comment: In summary, the available evidence is currently insufficient to determine the role of this variant in disease. Therefore, it has been classified as a Variant of Uncertain Significance. Algorithms developed to predict the effect of missense changes on protein structure and function are either unavailable or do not agree on the potential impact of this missense change (SIFT: "Deleterious"; PolyPhen-2: "Probably Damaging"; Align-GVGD: "Class C0"). This variant has not been reported in the literature in individuals with CHEK2-related conditions. This variant is not present in population databases (ExAC no frequency). This sequence change replaces proline with threonine at codon 90 of the CHEK2 protein (p.Pro90Thr). The proline residue is highly conserved and there is a small physicochemical difference between proline and threonine.